The following is an entry in ClinVar:

NM_033004.4(NLRP1):c.2015G>A (p.Arg672His)

Gene: NLRP1 (NLR family pyrin domain containing 1; minus strand). Cytogenetic location: 17p13.2.
Variant type: single nucleotide variant.
Coding change: c.2015G>A on transcript NM_033004.4 (MANE Select); coding-DNA position 2015, G replaced by A.
Protein change: p.Arg672His; replaces arginine 672 with histidine.
Molecular consequence: missense variant.
Genome position (GRCh38, 1-based): chr17:5,558,681, C>T on the plus strand (G>A on the coding strand, the complement: NLRP1 is on the minus strand). VCF-style: chr17-5558681-C-T. GRCh37 (hg19) VCF-style: chr17-5462001-C-T.
Other names: c.2015G>A, p.Arg672His (NM_001033053.3, NM_014922.5, NM_033006.4 and 1 more transcripts); short protein forms R672H.
Identifiers: ClinVar variation 1507165 (VCV001507165.8), dbSNP rs201428106, ClinGen allele CA8327279.

ClinVar aggregate classification (germline): Uncertain significance (1 of 4 stars; one submission).

Allele frequency attached by ClinVar (database versions not stated): gnomAD exomes 0.00001 and 0.00002; ExAC 0.00002; gnomAD 0.00002; TOPMed 0.00003.

Submission:

Labcorp Genetics (formerly Invitae), Labcorp
Classification: Uncertain significance. Last evaluated: 2025-04-23. Review status: criteria provided, single submitter. Criteria: Invitae Variant Classification Sherloc (09022015). Collection method: clinical testing. Allele origin: germline.
Comment: This sequence change replaces arginine, which is basic and polar, with histidine, which is basic and polar, at codon 672 of the NLRP1 protein (p.Arg672His). This variant is present in population databases (rs201428106, gnomAD 0.02%). This variant has not been reported in the literature in individuals affected with NLRP1-related conditions. ClinVar contains an entry for this variant (Variation ID: 1507165). An algorithm developed to predict the effect of missense changes on protein structure and function outputs the following: PolyPhen-2: "Benign". The histidine amino acid residue is found in multiple mammalian species, which suggests that this missense change does not adversely affect protein function. In summary, the available evidence is currently insufficient to determine the role of this variant in disease. Therefore, it has been classified as a Variant of Uncertain Significance.